The following is an entry in ClinVar:

ClinVar aggregate classification (germline): Uncertain significance. Review status: criteria provided, multiple submitters, no conflicts (2 of 4 stars). 5 submissions from 5 submitters: Uncertain significance (5). Last evaluated 2024-07-02.

Conditions:
Primary ciliary dyskinesia 19. Also called: CILIARY DYSKINESIA, PRIMARY, 19, WITH OR WITHOUT SITUS INVERSUS. Identifiers: Orphanet 244, MedGen C3543826, MONDO:0013979, OMIM 614935.
Primary ciliary dyskinesia. Also called: Ciliary dyskinesia. Identifiers: Orphanet 244, MedGen C0008780, MONDO:0016575, HP:0012265.

Allele frequency attached by ClinVar (database versions not stated): ExAC 0.00012; gnomAD exomes 0.00016 and 0.00043; TOPMed 0.00028; ESP Exome Variant Server 0.00031; gnomAD 0.00036.
gnomAD v4.1: 709 of 1,613,934 alleles (0.044%); highest among the groups gnomAD compares: Non-Finnish European, 0.055%; 1 homozygote.

Submissions (5):

Blueprint Genetics
Classification: Uncertain significance. Last evaluated: 2024-07-02. Review status: criteria provided, single submitter. Criteria: ACMG Guidelines, 2015. Collection method: clinical testing. Allele origin: germline.

Ambry Genetics
Classification: Uncertain significance for Primary ciliary dyskinesia. Last evaluated: 2024-02-10. Review status: criteria provided, single submitter. Criteria: Ambry Variant Classification Scheme 2023. Collection method: clinical testing. Allele origin: germline.
Comment: The p.K366E variant (also known as c.1096A>G), located in coding exon 10 of the LRRC6 gene, results from an A to G substitution at nucleotide position 1096. The lysine at codon 366 is replaced by glutamic acid, an amino acid with similar properties. This amino acid position is not well conserved in available vertebrate species. In addition, this alteration is predicted to be tolerated by in silico analysis. Since supporting evidence is limited at this time, the clinical significance of this alteration remains unclear.

Labcorp Genetics (formerly Invitae), Labcorp
Classification: Uncertain significance for Primary ciliary dyskinesia 19. Last evaluated: 2022-03-12. Review status: criteria provided, single submitter. Criteria: Invitae Variant Classification Sherloc (09022015). Collection method: clinical testing. Allele origin: germline.
Comment: This sequence change replaces lysine, which is basic and polar, with glutamic acid, which is acidic and polar, at codon 366 of the LRRC6 protein (p.Lys366Glu). This variant is present in population databases (rs201309011, gnomAD 0.03%), including at least one homozygous and/or hemizygous individual. This variant has not been reported in the literature in individuals affected with LRRC6-related conditions. ClinVar contains an entry for this variant (Variation ID: 473103). Algorithms developed to predict the effect of missense changes on protein structure and function (SIFT, PolyPhen-2, Align-GVGD) all suggest that this variant is likely to be tolerated. In summary, the available evidence is currently insufficient to determine the role of this variant in disease. Therefore, it has been classified as a Variant of Uncertain Significance.

Fulgent Genetics
Classification: Uncertain significance for Primary ciliary dyskinesia 19. Last evaluated: 2022-01-12. Review status: criteria provided, single submitter. Criteria: ACMG Guidelines, 2015. Collection method: clinical testing. Allele origin: unknown.

Illumina Laboratory Services, Illumina
Classification: Uncertain significance for Primary ciliary dyskinesia 19. Last evaluated: 2018-03-21. Review status: criteria provided, single submitter. Criteria: ICSL Variant Classification Criteria 13 December 2019. Collection method: clinical testing. Allele origin: germline.

NM_012472.6(DNAAF11):c.1096A>G (p.Lys366Glu)

Gene: DNAAF11 (dynein axonemal assembly factor 11; minus strand). Cytogenetic location: 8q24.22.
Variant type: single nucleotide variant.
Coding change: c.1096A>G on transcript NM_012472.6 (MANE Select); coding-DNA position 1096, A replaced by G.
Protein change: p.Lys366Glu; replaces lysine 366 with glutamic acid.
Molecular consequence: missense variant. On other transcripts: non-coding transcript variant (10).
Genome position (GRCh38, 1-based): chr8:132,610,210, T>C on the plus strand (A>G on the coding strand, the complement: DNAAF11 is on the minus strand). VCF-style: chr8-132610210-T-C. GRCh37 (hg19) VCF-style: chr8-133622456-T-C.
Other names: c.1036A>G, p.Lys346Glu (NM_001321961.2); c.850A>G, p.Lys284Glu (NM_001321962.2); c.736A>G, p.Lys246Glu (NM_001321963.2, NM_001321964.2, NM_001321965.2); c.676A>G, p.Lys226Glu (NM_001321966.2); short protein forms K366E, K226E, K284E, K246E, K346E.
Identifiers: ClinVar variation 473103 (VCV000473103.13), dbSNP rs201309011, ClinGen allele CA4881170.